The following is an entry in ClinVar:

ClinVar aggregate classification (germline): Uncertain significance (1 of 4 stars; one submission).

Allele frequency attached by ClinVar (database versions not stated): gnomAD 0.00001; TOPMed 0.00001; ExAC 0.00002; gnomAD exomes 0.00003.
gnomAD v4.1: 49 of 1,614,016 alleles (0.003%); highest among the groups gnomAD compares: South Asian, 0.0088%; no homozygotes.

Submission:

Labcorp Genetics (formerly Invitae), Labcorp
Classification: Uncertain significance. Last evaluated: 2022-09-01. Review status: criteria provided, single submitter. Criteria: Invitae Variant Classification Sherloc (09022015). Collection method: clinical testing. Allele origin: germline.
Comment: This sequence change replaces arginine, which is basic and polar, with histidine, which is basic and polar, at codon 388 of the RUSC2 protein (p.Arg388His). This variant is present in population databases (rs778211068, gnomAD 0.01%). This variant has not been reported in the literature in individuals affected with RUSC2-related conditions. Algorithms developed to predict the effect of missense changes on protein structure and function are either unavailable or do not agree on the potential impact of this missense change (SIFT: "Deleterious"; PolyPhen-2: "Probably Damaging"; Align-GVGD: "Class C0"). In summary, the available evidence is currently insufficient to determine the role of this variant in disease. Therefore, it has been classified as a Variant of Uncertain Significance.

NM_014806.5(RUSC2):c.1163G>A (p.Arg388His)

Gene: RUSC2 (RUN and SH3 domain containing 2; plus strand). Cytogenetic location: 9p13.3.
Variant type: single nucleotide variant.
Coding change: c.1163G>A on transcript NM_014806.5 (MANE Select); coding-DNA position 1163, G replaced by A.
Protein change: p.Arg388His; replaces arginine 388 with histidine.
Molecular consequence: missense variant. On other transcripts: non-coding transcript variant (1), intron variant (1).
Genome position (GRCh38, 1-based): chr9:35,547,684, G>A. VCF-style: chr9-35547684-G-A. GRCh37 (hg19) VCF-style: chr9-35547681-G-A.
Other names: c.1163G>A, p.Arg388His (NM_001135999.2); c.-620-7376G>A (NM_001330740.2); short protein forms R388H.
Identifiers: ClinVar variation 1958769 (VCV001958769.2), dbSNP rs778211068, ClinGen allele CA5043593.